The following is an entry in ClinVar:

NM_001647.4(APOD):c.226G>A (p.Val76Met)

Gene: APOD (apolipoprotein D; minus strand). Cytogenetic location: 3q29.
Variant type: single nucleotide variant.
Coding change: c.226G>A on transcript NM_001647.4 (MANE Select); coding-DNA position 226, G replaced by A.
Protein change: p.Val76Met; replaces valine 76 with methionine.
Molecular consequence: missense variant.
Genome position (GRCh38, 1-based): chr3:195,573,869, C>T on the plus strand (G>A on the coding strand, the complement: APOD is on the minus strand). VCF-style: chr3-195573869-C-T. GRCh37 (hg19) VCF-style: chr3-195300740-C-T.
Other names: short protein forms V76M.
Identifiers: ClinVar variation 2654366 (VCV002654366.24), dbSNP rs76929107, ClinGen allele CA2765355.

ClinVar aggregate classification (germline): Benign (1 of 4 stars; one submission).

Allele frequency attached by ClinVar (database versions not stated): 1000 Genomes Project 30x 0.00344; 1000 Genomes Project 0.00359; TOPMed 0.00811; gnomAD 0.00921; ESP Exome Variant Server 0.00984.

Submission:

CeGaT Center for Human Genetics Tuebingen
Classification: Benign. Last evaluated: 2023-01-01. Review status: criteria provided, single submitter. Criteria: CeGaT Center For Human Genetics Tuebingen Variant Classification Criteria Version 2. Collection method: clinical testing. Allele origin: germline. Affected: yes. Observed: 1 variant allele.
Comment: APOD: BS1, BS2